The following is an entry in ClinVar:

ClinVar aggregate classification (germline): Uncertain significance (1 of 4 stars; one submission).

Conditions:
Epidermolysis bullosa simplex 5C, with pyloric atresia (EBS5C). Also called: PLEC1-Related Epidermolysis Bullosa with Pyloric Atresia; PLEC-Related Epidermolysis Bullosa with Pyloric Atresia; Epidermolysis bullosa simplex with pyloric atresia. Identifiers: Orphanet 158684, MedGen C2677349, MONDO:0012807, OMIM 612138.
Epidermolysis bullosa simplex with nail dystrophy (EBS5D). Identifiers: MedGen C4225309, MONDO:0014661, OMIM 616487.
Autosomal recessive limb-girdle muscular dystrophy type 2Q (LGMDR17). Also called: MUSCULAR DYSTROPHY, LIMB-GIRDLE, AUTOSOMAL RECESSIVE 17. Identifiers: Orphanet 254361, MedGen C3150989, MONDO:0013390, OMIM 613723.
Epidermolysis bullosa simplex 5B, with muscular dystrophy (EBS5B). Also called: Epidermolysis bullosa simplex with muscular dystrophy; EPIDERMOLYSIS BULLOSA SIMPLEX AND LIMB-GIRDLE MUSCULAR DYSTROPHY. Identifiers: Orphanet 257, MedGen C2931072, MONDO:0009181, OMIM 226670.
Epidermolysis bullosa simplex, Ogna type (EBS5A). Also called: Pidermolysis bullosa simplex 5A, Ogna type; EPIDERMOLYSIS BULLOSA SIMPLEX 5A, OGNA TYPE. Identifiers: Orphanet 79401, MedGen C0432317, MONDO:0007555, OMIM 131950.

Submission:

Labcorp Genetics (formerly Invitae), Labcorp
Classification: Uncertain significance for Autosomal recessive limb-girdle muscular dystrophy type 2Q; Epidermolysis bullosa simplex, Ogna type; Epidermolysis bullosa simplex with nail dystrophy; Epidermolysis bullosa simplex 5C, with pyloric atresia; Epidermolysis bullosa simplex 5B, with muscular dystrophy. Last evaluated: 2026-01-19. Review status: criteria provided, single submitter. Criteria: Invitae Variant Classification Sherloc (09022015). Collection method: clinical testing. Allele origin: germline.
Comment: This sequence change replaces glycine, which is neutral and non-polar, with serine, which is neutral and polar, at codon 204 of the PLEC protein (p.Gly204Ser). This variant is not present in population databases (gnomAD no frequency). This variant has not been reported in the literature in individuals affected with PLEC-related conditions. ClinVar contains an entry for this variant (Variation ID: 577713). Experimental studies and prediction algorithms are not available or were not evaluated, and the functional significance of this variant is currently unknown. In summary, the available evidence is currently insufficient to determine the role of this variant in disease. Therefore, it has been classified as a Variant of Uncertain Significance.

NM_201384.3(PLEC):c.529G>A (p.Gly177Ser)

Gene: PLEC (plectin; minus strand). Cytogenetic location: 8q24.3.
Variant type: single nucleotide variant.
Coding change: c.529G>A on transcript NM_201384.3 (MANE Select); coding-DNA position 529, G replaced by A.
Protein change: p.Gly177Ser; replaces glycine 177 with serine.
Molecular consequence: missense variant.
Genome position (GRCh38, 1-based): chr8:143,935,921, C>T on the plus strand (G>A on the coding strand, the complement: PLEC is on the minus strand). VCF-style: chr8-143935921-C-T. GRCh37 (hg19) VCF-style: chr8-145010089-C-T.
Other names: c.610G>A, p.Gly204Ser (NM_000445.5); c.487G>A, p.Gly163Ser (NM_201378.4); c.463G>A, p.Gly155Ser (NM_201379.3); c.940G>A, p.Gly314Ser (NM_201380.4); c.433G>A, p.Gly145Ser (NM_201381.3); c.529G>A, p.Gly177Ser (NM_201382.4); c.541G>A, p.Gly181Ser (NM_201383.3); short protein forms G181S, G204S, G314S, G155S, G177S, G145S, G163S.
Identifiers: ClinVar variation 577713 (VCV000577713.6), dbSNP rs1554722875, ClinGen allele CA372588738.